The following is an entry in ClinVar:

NM_024422.6(DSC2):c.927T>C (p.Ser309=)

Gene: DSC2 (desmocollin 2; minus strand). Cytogenetic location: 18q12.1.
Variant type: single nucleotide variant.
Coding change: c.927T>C on transcript NM_024422.6 (MANE Select); coding-DNA position 927, T replaced by C.
Protein change: p.Ser309=; no amino-acid change (serine 309 retained).
Molecular consequence: synonymous variant.
Genome position (GRCh38, 1-based): chr18:31,086,591, A>G on the plus strand (T>C on the coding strand, the complement: DSC2 is on the minus strand). VCF-style: chr18-31086591-A-G. GRCh37 (hg19) VCF-style: chr18-28666554-A-G.
Other names: c.927T>C, p.Ser309= (NM_004949.5).
Identifiers: ClinVar variation 536281 (VCV000536281.13), dbSNP rs1434821927, ClinGen allele CA503388482.

ClinVar aggregate classification (germline): Likely benign. Review status: criteria provided, multiple submitters, no conflicts (2 of 4 stars). 3 submissions from 3 submitters: Likely benign (3). Last evaluated 2023-07-24.

Conditions:
Arrhythmogenic right ventricular dysplasia 11. Also called: Arrhythmogenic Right Ventricular Dysplasia/Cardiomyopathy11; ARRHYTHMOGENIC RIGHT VENTRICULAR DYSPLASIA, FAMILIAL, 11; Arrhythmogenic right ventricular dysplasia 11 with mild palmoplantar keratoderma and woolly hair. Identifiers: MedGen C1864850, MONDO:0012506, OMIM 610476.
Familial isolated arrhythmogenic right ventricular dysplasia. Identifiers: Orphanet 217656, MedGen C4274968, MONDO:0016342.

Submissions (3):

Labcorp Genetics (formerly Invitae), Labcorp
Classification: Likely benign for Arrhythmogenic right ventricular dysplasia 11. Last evaluated: 2023-07-24. Review status: criteria provided, single submitter. Criteria: Invitae Variant Classification Sherloc (09022015). Collection method: clinical testing. Allele origin: germline.

All of Us Research Program, National Institutes of Health
Classification: Likely benign for Familial isolated arrhythmogenic right ventricular dysplasia. Last evaluated: 2023-03-09. Review status: criteria provided, single submitter. Criteria: ACMG Guidelines, 2015. Collection method: clinical testing. Allele origin: germline. Inheritance: Autosomal dominant inheritance. Observed: 1 variant allele, 1 heterozygote.
Comment: This study involves interpretation of variants in research participants for the purpose of population health screening. Participant phenotype was not available at the time of variant classification. Additional details can be found in publication PMID: 35346344, PMCID: PMC8962531

Blueprint Genetics
Classification: Likely benign. Last evaluated: 2019-10-08. Review status: criteria provided, single submitter. Criteria: ACMG Guidelines, 2015. Collection method: clinical testing. Allele origin: germline.